The following continues an entry in ClinVar:

NM_007294.4(BRCA1):c.2138C>G (p.Ser713Ter)

Gene: BRCA1. ClinVar aggregate classification (germline): Pathogenic. Pathogenic (1).

Submissions 11 to 18 of 18:

Quest Diagnostics Nichols Institute San Juan Capistrano
Classification: Pathogenic. Last evaluated: 2021-01-18. Review status: criteria provided, single submitter. Criteria: Quest Diagnostics criteria. Collection method: clinical testing. Allele origin: unknown. Not counted in ClinVar's aggregate classification.
Comment: This nonsense variant causes the premature termination of BRCA1 protein synthesis. It has been reported in families affected with breast/ovarian cancer in the published literature (PMID: 11139249 (2001), 29446198 (2018), 30702160 (2019)).

Women's Health and Genetics/Laboratory Corporation of America, LabCorp
Classification: Pathogenic for Hereditary breast ovarian cancer syndrome. Last evaluated: 2017-02-16. Review status: criteria provided, single submitter. Criteria: LabCorp Variant Classification Summary - May 2015. Collection method: clinical testing. Allele origin: germline. Not counted in ClinVar's aggregate classification.
Comment: Variant summary: The BRCA1 c.2138C>G (p.Ser713X) variant results in a premature termination codon, predicted to cause a truncated or absent BRCA1 protein due to nonsense mediated decay, which are commonly known mechanisms for disease. Truncations downstream of this position have been classified as pathogenic by our laboratory (e.g. c.2157dupA. p.Glu720fsX6; c.2197_2201delGAGAA, p.Glu733fsX5; c.2241delC, p.Asp749fsX4). One in silico tool predicts a damaging outcome for this variant. This variant was found in 1/122388 control chromosomes at a frequency of 0.0000082, which does not exceed the estimated maximal expected allele frequency of a pathogenic BRCA1 variant (0.0010005). The variant has been reported in numerous affected individuals in the literature. Functional studies have demonstrated a reduction on multiple aspects of BRCA1 function attributed to this variant. In addition, multiple clinical diagnostic laboratories/reputable databases classified this variant as pathogenic. Taken together, this variant is classified as pathogenic.

Department of Medical Genetics, Oslo University Hospital
Classification: Pathogenic for Breast-ovarian cancer, familial, susceptibility to, 1. Last evaluated: 2016-04-21. Review status: criteria provided, single submitter. Criteria: ACMG Guidelines, 2015. Collection method: clinical testing. Allele origin: germline. Affected: yes. Observed: 1 variant allele. Not counted in ClinVar's aggregate classification.

University of Washington Department of Laboratory Medicine, University of Washington
Classification: Pathogenic for Breast-ovarian cancer, familial, susceptibility to, 1. Last evaluated: 2015-11-20. Review status: criteria provided, single submitter. Criteria: Shirts et al. (Genet Med 2016). Collection method: clinical testing. Allele origin: germline. Affected: yes. Observed: 1 variant allele. Not counted in ClinVar's aggregate classification.

Consortium of Investigators of Modifiers of BRCA1/2 (CIMBA), c/o University of Cambridge
Classification: Pathogenic for Breast-ovarian cancer, familial, susceptibility to, 1. Last evaluated: 2015-10-02. Review status: criteria provided, single submitter. Criteria: CIMBA Mutation Classification guidelines May 2016. Collection method: clinical testing. Allele origin: germline. Not counted in ClinVar's aggregate classification.

Research Molecular Genetics Laboratory, Women's College Hospital, University of Toronto
Classification: Pathogenic for Hereditary breast ovarian cancer syndrome. Last evaluated: 2014-01-31. Review status: no assertion criteria provided. Collection method: research. Allele origin: germline. Affected: yes. Study: The Canadian Open Genetics Repository (COGR). Not counted in ClinVar's aggregate classification.

Sharing Clinical Reports Project (SCRP)
Classification: Pathogenic for Breast-ovarian cancer, familial 1. Last evaluated: 2012-11-27. Review status: no assertion criteria provided. Collection method: clinical testing. Allele origin: germline. Not counted in ClinVar's aggregate classification.

Breast Cancer Information Core (BIC) (BRCA1)
Classification: Pathogenic for Breast-ovarian cancer, familial 1. Last evaluated: 2002-05-29. Review status: no assertion criteria provided. Collection method: clinical testing. Allele origin: germline, unknown. Affected: yes. Observed: 19 variant alleles. Not counted in ClinVar's aggregate classification.

Literature cited by the submitters: PubMed 20104584 (cited by Labcorp Genetics (formerly Invitae), Labcorp); PubMed 11139249 (cited by 6 submitters); PubMed 21913181 (cited by 4 submitters); PubMed 22430266 (cited by Labcorp Genetics (formerly Invitae), Labcorp and Women's Health and Genetics/Laboratory Corporation of America, LabCorp); PubMed 27469594 (cited by Ambry Genetics); PubMed 28176296 (cited by Ambry Genetics); PubMed 28724667 (cited by 4 submitters); PubMed 29446198 (cited by 4 submitters); PubMed 30702160 (cited by 4 submitters); PubMed 22762150 (cited by 3 submitters); PubMed 26845104 (cited by 3 submitters); PubMed 31825140 (cited by 3 submitters); PubMed 33471991 (cited by All of Us Research Program, National Institutes of Health and Color Diagnostics, LLC DBA Color Health); PubMed 16267036 (cited by Quest Diagnostics Nichols Institute San Juan Capistrano and Women's Health and Genetics/Laboratory Corporation of America, LabCorp); PubMed 26295337 (cited by Quest Diagnostics Nichols Institute San Juan Capistrano); PubMed 24448499 (cited by Women's Health and Genetics/Laboratory Corporation of America, LabCorp); PubMed 15829246 (cited by Women's Health and Genetics/Laboratory Corporation of America, LabCorp); PubMed 25400221 (cited by Women's Health and Genetics/Laboratory Corporation of America, LabCorp); PubMed 21080930 (cited by Women's Health and Genetics/Laboratory Corporation of America, LabCorp); PubMed 15383404 (cited by Breast Cancer Information Core (BIC) (BRCA1)).